The following is an entry in ClinVar:

ClinVar aggregate classification (germline): Likely benign (1 of 4 stars; one submission).

Allele frequency attached by ClinVar (database versions not stated): 1000 Genomes Project 30x 0.00234; 1000 Genomes Project 0.00260; TOPMed 0.00433; ExAC 0.00478; ESP Exome Variant Server 0.00523; gnomAD 0.00543; gnomAD exomes 0.00716.
gnomAD v4.1: 11,212 of 1,614,108 alleles (0.69%); highest among the groups gnomAD compares: Non-Finnish European, 0.81%; 50 homozygotes.

Submission:

CeGaT Center for Human Genetics Tuebingen
Classification: Likely benign. Last evaluated: 2023-03-01. Review status: criteria provided, single submitter. Criteria: CeGaT Center For Human Genetics Tuebingen Variant Classification Criteria Version 2. Collection method: clinical testing. Allele origin: germline. Affected: yes. Observed: 2 variant alleles.
Comment: RGS12: BS2

NM_001394154.1(RGS12):c.2390C>T (p.Ala797Val)

Genes: RGS12 (regulator of G protein signaling 12; plus strand), LOC126806950 (MED14-independent group 3 enhancer GRCh37_chr4:3417810-3419009; plus strand). Cytogenetic location: 4p16.3.
Variant type: single nucleotide variant.
Coding change: c.2390C>T on transcript NM_001394154.1 (MANE Select); coding-DNA position 2390, C replaced by T.
Protein change: p.Ala797Val; replaces alanine 797 with valine.
Molecular consequence: missense variant. On other transcripts: 5 prime UTR variant (3).
Genome position (GRCh38, 1-based): chr4:3,416,084, C>T. VCF-style: chr4-3416084-C-T. GRCh37 (hg19) VCF-style: chr4-3417811-C-T.
Other names: c.2390C>T, p.Ala797Val (NM_001394155.1, NM_001394156.1, NM_001394157.1 and 3 more transcripts); c.-14C>T (NM_001394161.1, NM_001394162.1, NM_001394163.1); c.446C>T, p.Ala149Val (NM_198227.2); short protein forms A149V, A797V.
Identifiers: ClinVar variation 2654599 (VCV002654599.24), dbSNP rs147243770, ClinGen allele CA2826983.